The following is an entry in ClinVar:

NM_000322.5(PRPH2):c.791C>G (p.Ser264Cys)

Gene: PRPH2 (peripherin 2; minus strand). Cytogenetic location: 6p21.1.
Variant type: single nucleotide variant.
Coding change: c.791C>G on transcript NM_000322.5 (MANE Select); coding-DNA position 791, C replaced by G.
Protein change: p.Ser264Cys; replaces serine 264 with cysteine.
Molecular consequence: missense variant.
Genome position (GRCh38, 1-based): chr6:42,704,402, G>C on the plus strand (C>G on the coding strand, the complement: PRPH2 is on the minus strand). VCF-style: chr6-42704402-G-C. GRCh37 (hg19) VCF-style: chr6-42672140-G-C.
Other names: short protein forms S264C.
Identifiers: ClinVar variation 286320 (VCV000286320.9), dbSNP rs768210586, ClinGen allele CA3808537.
Genomic context (GRCh38, chr6:42,704,402, plus strand): 5'-CCCCCAGCTGGCCCAGGGCCTACCTCGAAGAGCCAAATGAGGAGCGTGACGACACCCATG[G>C]AGTTCATGAGGCTGCTGTAGTAGCTCAGCAGGGCAGCCCTGCAGCCACGCACCCACAGGT-3'
Protein context (NP_000313.2, residues 254-274): LLSYYSSLMN[Ser264Cys]MGVVTLLIWL

ClinVar aggregate classification (germline): Uncertain significance. Review status: criteria provided, multiple submitters, no conflicts (2 of 4 stars). 2 submissions from 2 submitters: Uncertain significance (2). Last evaluated 2022-09-06.

Conditions:
PRPH2-related disorder. Also called: PRPH2-related condition; PRPH2-related disorders. Identifiers: MedGen CN239395.

Allele frequency attached by ClinVar (database versions not stated): gnomAD exomes below 0.00001 and 0.00001; ExAC 0.00002; TOPMed 0.00004; gnomAD 0.00005 and 0.00006.
gnomAD v4.1: 9 of 1,610,086 alleles (0.00056%); highest among the groups gnomAD compares: African/African-American, 0.011%; no homozygotes.

Submissions (2):

Labcorp Genetics (formerly Invitae), Labcorp
Classification: Uncertain significance for PRPH2-related disorder. Last evaluated: 2022-09-06. Review status: criteria provided, single submitter. Criteria: Invitae Variant Classification Sherloc (09022015). Collection method: clinical testing. Allele origin: germline.
Comment: ClinVar contains an entry for this variant (Variation ID: 286320). In summary, the available evidence is currently insufficient to determine the role of this variant in disease. Therefore, it has been classified as a Variant of Uncertain Significance. Advanced modeling of protein sequence and biophysical properties (such as structural, functional, and spatial information, amino acid conservation, physicochemical variation, residue mobility, and thermodynamic stability) performed at Invitae indicates that this missense variant is expected to disrupt PRPH2 protein function. This missense change has been observed in individual(s) with cone rod dystrophy (Invitae). The frequency data for this variant in the population databases is considered unreliable, as metrics indicate poor data quality at this position in the gnomAD database. This sequence change replaces serine, which is neutral and polar, with cysteine, which is neutral and slightly polar, at codon 264 of the PRPH2 protein (p.Ser264Cys).

Eurofins Ntd Llc (ga)
Classification: Uncertain significance. Last evaluated: 2016-02-22. Review status: criteria provided, single submitter. Criteria: EGL Classification Definitions 2015. Collection method: clinical testing. Allele origin: germline. Observed: 1 variant allele, 1 heterozygote.